The following is an entry in ClinVar:

NM_005228.5(EGFR):c.2157C>T (p.Gly719=)

Gene: EGFR (epidermal growth factor receptor; plus strand). Cytogenetic location: 7p11.2.
Variant type: single nucleotide variant.
Coding change: c.2157C>T on transcript NM_005228.5 (MANE Select); coding-DNA position 2157, C replaced by T.
Protein change: p.Gly719=; no amino-acid change (glycine 719 retained).
Molecular consequence: synonymous variant.
Genome position (GRCh38, 1-based): chr7:55,174,016, C>T. VCF-style: chr7-55174016-C-T. GRCh37 (hg19) VCF-style: chr7-55241709-C-T.
Other names: c.2022C>T, p.Gly674= (NM_001346897.2, NM_001346899.2); c.2157C>T, p.Gly719= (NM_001346898.2); c.1998C>T, p.Gly666= (NM_001346900.2); c.1356C>T, p.Gly452= (NM_001346941.2).
Identifiers: ClinVar variation 3773376 (VCV003773376.1).

ClinVar aggregate classification (germline): Benign (1 of 4 stars; one submission).

Conditions:
Lung cancer. Also called: Lung cancer, somatic; Malignant tumor of lung. Identifiers: MedGen C0242379, MONDO:0008903, OMIM 211980.

Submission:

Myriad Genetics, Inc.
Classification: Benign for Lung cancer. Last evaluated: 2024-10-16. Review status: criteria provided, single submitter. Criteria: Myriad Autosomal Dominant, Autosomal Recessive and X-Linked Classification Criteria (2023). Collection method: clinical testing. Allele origin: unknown.
Comment: This variant is considered benign. This variant is a silent/synonymous amino acid change and it is not expected to impact splicing.